The following is an entry in ClinVar:

ClinVar aggregate classification (germline): Uncertain significance. Review status: criteria provided, multiple submitters, no conflicts (2 of 4 stars). 3 submissions from 3 submitters: Uncertain significance (3). Last evaluated 2025-08-29.

Conditions:
Inborn genetic diseases. Identifiers: MedGen C0950123, MeSH D030342.

Allele frequency attached by ClinVar (database versions not stated): gnomAD exomes 0.00001; gnomAD 0.00001; ExAC 0.00002.
gnomAD v4.1: 18 of 1,613,930 alleles (0.0011%); highest among the groups gnomAD compares: South Asian, 0.0077%; no homozygotes.

Submissions (3):

Labcorp Genetics (formerly Invitae), Labcorp
Classification: Uncertain significance. Last evaluated: 2025-08-29. Review status: criteria provided, single submitter. Criteria: Invitae Variant Classification Sherloc (09022015). Collection method: clinical testing. Allele origin: germline.
Comment: This sequence change replaces arginine, which is basic and polar, with glutamine, which is neutral and polar, at codon 1173 of the TTBK2 protein (p.Arg1173Gln). This variant is present in population databases (rs776195390, gnomAD 0.006%). This variant has not been reported in the literature in individuals affected with TTBK2-related conditions. ClinVar contains an entry for this variant (Variation ID: 1963409). An algorithm developed to predict the effect of missense changes on protein structure and function (PolyPhen-2) suggests that this variant is likely to be disruptive. In summary, the available evidence is currently insufficient to determine the role of this variant in disease. Therefore, it has been classified as a Variant of Uncertain Significance.

Athena Diagnostics
Classification: Uncertain significance. Last evaluated: 2025-08-05. Review status: criteria provided, single submitter. Criteria: Athena Diagnostics Criteria. Collection method: clinical testing. Allele origin: unknown.
Comment: Available data are insufficient to determine the clinical significance of the variant at this time. The frequency of this variant in the general population is uninformative in assessment of its pathogenicity. Polyphen and MutationTaster yielded discordant predictions regarding whether this amino acid change is damaging to the protein.

Ambry Genetics
Classification: Uncertain significance for Inborn genetic diseases. Last evaluated: 2025-03-07. Review status: criteria provided, single submitter. Criteria: Ambry Variant Classification Scheme 2023. Collection method: clinical testing. Allele origin: germline.

NM_173500.4(TTBK2):c.3518G>A (p.Arg1173Gln)

Gene: TTBK2 (tau tubulin kinase 2; minus strand). Cytogenetic location: 15q15.2.
Variant type: single nucleotide variant.
Coding change: c.3518G>A on transcript NM_173500.4 (MANE Select); coding-DNA position 3518, G replaced by A.
Protein change: p.Arg1173Gln; replaces arginine 1173 with glutamine.
Molecular consequence: missense variant.
Genome position (GRCh38, 1-based): chr15:42,746,012, C>T on the plus strand (G>A on the coding strand, the complement: TTBK2 is on the minus strand). VCF-style: chr15-42746012-C-T. GRCh37 (hg19) VCF-style: chr15-43038210-C-T.
Other names: short protein forms R1173Q.
Identifiers: ClinVar variation 1963409 (VCV001963409.7), dbSNP rs776195390, ClinGen allele CA7516557.
Genomic context (GRCh38, chr15:42,746,012, plus strand): 5'-CTGGGAGGTGACTTGCTTCTCCCCAGATGTGGGGACGAACTCCTCTGGTCATGGTGGGGC[C>T]GTCCAGCCCTAGATGGTGAGGAACTAGACGTGCGAGGCAAGGATGAGCTTCGAGGAGAGG-3'
Protein context (NP_775771.3, residues 1163-1183): TSSSSPSRAG[Arg1173Gln]PHHDQRSSSP